The following is an entry in ClinVar:

NM_003738.5(PTCH2):c.2336G>A (p.Arg779His)

Gene: PTCH2 (patched 2; minus strand). Cytogenetic location: 1p34.1.
Variant type: single nucleotide variant.
Coding change: c.2336G>A on transcript NM_003738.5 (MANE Select); coding-DNA position 2336, G replaced by A.
Protein change: p.Arg779His; replaces arginine 779 with histidine.
Molecular consequence: missense variant.
Genome position (GRCh38, 1-based): chr1:44,827,437, C>T on the plus strand (G>A on the coding strand, the complement: PTCH2 is on the minus strand). VCF-style: chr1-44827437-C-T. GRCh37 (hg19) VCF-style: chr1-45293109-C-T.
Other names: c.2336G>A, p.Arg779His (NM_001166292.2); short protein forms R779H.
Identifiers: ClinVar variation 524550 (VCV000524550.9), dbSNP rs45493198, ClinGen allele CA21744506.
Genomic context (GRCh38, chr1:44,827,437, plus strand): 5'-CCCTGCCCGTCTCCTCGCCTCTCACCCTGTAGCCAGTTGCGGTAATAGTGCAGCCAGGTG[C>T]GGGGTGCCTGGGTGGCCGGTGGGGGCAGCACCGCCTTGAGGGAACTGAAGCGCTGGTGCA-3'
Protein context (NP_003729.3, residues 769-789): VLPPPATQAP[Arg779His]TWLHYYRNWL

ClinVar aggregate classification (germline): Uncertain significance (1 of 4 stars; one submission).

Conditions:
Gorlin syndrome. Also called: Nevoid Basal Cell Carcinoma Syndrome; Basal cell nevus syndrome. Identifiers: Orphanet 377, MedGen C0004779, MONDO:0007187.

Allele frequency attached by ClinVar (database versions not stated): TOPMed 0.00002.
gnomAD v4.1: 6 of 1,613,132 alleles (0.00037%); highest among the groups gnomAD compares: East Asian, 0.0045%; no homozygotes.

Submission:

Labcorp Genetics (formerly Invitae), Labcorp
Classification: Uncertain significance for Gorlin syndrome. Last evaluated: 2025-10-20. Review status: criteria provided, single submitter. Criteria: Invitae Variant Classification Sherloc (09022015). Collection method: clinical testing. Allele origin: germline.
Comment: This sequence change replaces arginine, which is basic and polar, with histidine, which is basic and polar, at codon 779 of the PTCH2 protein (p.Arg779His). This variant is present in population databases (no rsID available, gnomAD 0.003%). This variant has not been reported in the literature in individuals affected with PTCH2-related conditions. ClinVar contains an entry for this variant (Variation ID: 524550). Invitae Evidence Modeling of protein sequence and biophysical properties (such as structural, functional, and spatial information, amino acid conservation, physicochemical variation, residue mobility, and thermodynamic stability) indicates that this missense variant is not expected to disrupt PTCH2 protein function with a negative predictive value of 80%. In summary, the available evidence is currently insufficient to determine the role of this variant in disease. Therefore, it has been classified as a Variant of Uncertain Significance.